The following is an entry in ClinVar:

ClinVar aggregate classification (germline): Uncertain significance. Review status: criteria provided, multiple submitters, no conflicts (2 of 4 stars). 2 submissions from 2 submitters: Uncertain significance (2). Last evaluated 2024-04-29.

Conditions:
Hereditary cancer-predisposing syndrome. Also called: Hereditary Cancer Syndrome; Tumor predisposition; Hereditary neoplastic syndrome; Neoplastic Syndromes, Hereditary. Identifiers: Orphanet 140162, MedGen C0027672, MeSH D009386, MONDO:0015356.

Submissions (2):

Ambry Genetics
Classification: Uncertain significance for Hereditary cancer-predisposing syndrome. Last evaluated: 2024-04-29. Review status: criteria provided, single submitter. Criteria: Ambry Variant Classification Scheme 2023. Collection method: clinical testing. Allele origin: germline.
Comment: The p.N73S variant (also known as c.218A>G), located in coding exon 2 of the BMPR1A gene, results from an A to G substitution at nucleotide position 218. The asparagine at codon 73 is replaced by serine, an amino acid with highly similar properties. This amino acid position is conserved. In addition, the in silico prediction for this alteration is inconclusive. Based on the available evidence, the clinical significance of this variant remains unclear.

GeneDx
Classification: Uncertain significance. Last evaluated: 2023-07-11. Review status: criteria provided, single submitter. Criteria: GeneDx Variant Classification Process June 2021. Collection method: clinical testing. Allele origin: germline. Affected: yes.
Comment: Not observed at significant frequency in large population cohorts (gnomAD); In silico analysis supports that this missense variant has a deleterious effect on protein structure/function; Has not been previously published as pathogenic or benign to our knowledge; This variant is associated with the following publications: (PMID: 22799562, 23433720, 10881198)

NM_004329.3(BMPR1A):c.218A>G (p.Asn73Ser)

Gene: BMPR1A (bone morphogenetic protein receptor type 1A; plus strand). Cytogenetic location: 10q23.2.
Variant type: single nucleotide variant.
Coding change: c.218A>G on transcript NM_004329.3 (MANE Select); coding-DNA position 218, A replaced by G.
Protein change: p.Asn73Ser; replaces asparagine 73 with serine.
Molecular consequence: missense variant. On other transcripts: non-coding transcript variant (3).
Genome position (GRCh38, 1-based): chr10:86,890,212, A>G. VCF-style: chr10-86890212-A-G. GRCh37 (hg19) VCF-style: chr10-88649969-A-G.
Other names: c.218A>G, p.Asn73Ser (NM_001406559.1, NM_001406560.1, NM_001406561.1 and 23 more transcripts); c.134A>G, p.Asn45Ser (NM_001406584.1, NM_001406585.1, NM_001406586.1 and 2 more transcripts); short protein forms N73S, N45S.
Identifiers: ClinVar variation 3261220 (VCV003261220.2).